The following is an entry in ClinVar:

NM_007194.4(CHEK2):c.1178_1187del (p.Pro393fs)

Gene: CHEK2 (checkpoint kinase 2; minus strand). Cytogenetic location: 22q12.1.
Variant type: Deletion.
Coding change: c.1178_1187del on transcript NM_007194.4 (MANE Select); coding-DNA positions 1178 to 1187, 10 bases deleted (CTGAAGTTCT; older notation c.1178_1187delCTGAAGTTCT).
Protein change: p.Pro393fs; shifts the reading frame from proline 393.
Molecular consequence: frameshift variant.
Genome position (GRCh38, 1-based): chr22:28,695,782-28,695,791, AGAACTTCAG deleted on the plus strand (CTGAAGTTCT on the coding strand, the reverse complement: CHEK2 is on the minus strand). VCF-style (leftmost placement, unchanged base first): chr22-28695781-AAGAACTTCAG-A. GRCh37 (hg19) VCF-style: chr22-29091769-AAGAACTTCAG-A.
Other names: c.1307_1316del, p.Pro436fs (NM_001005735.3); c.515_524del, p.Pro172fs (NM_001257387.3, NM_001437942.1); c.977_986del, p.Pro326fs (NM_001349956.3); c.1271_1280del, p.Pro424fs (NM_001438293.1); c.1220_1229del, p.Pro407fs (NM_001438294.1); c.1184_1193del, p.Pro395fs (NM_001438295.1); c.1091_1100del, p.Pro364fs (NM_145862.3); short protein forms P326fs, P364fs, P172fs, P393fs, P407fs, P424fs, P395fs, P436fs.
Identifiers: ClinVar variation 4725103 (VCV004725103.1).

ClinVar aggregate classification (germline): Pathogenic (1 of 4 stars; one submission).

Conditions:
Familial cancer of breast. Also called: Hereditary breast cancer; hereditary breast carcinoma; BREAST CANCER, FAMILIAL. Identifiers: Orphanet 227535, MedGen C0346153, MONDO:0016419, OMIM 114480. Disease mechanism: loss of function.

Submission:

Labcorp Genetics (formerly Invitae), Labcorp
Classification: Pathogenic for Familial cancer of breast. Last evaluated: 2025-08-10. Review status: criteria provided, single submitter. Criteria: Invitae Variant Classification Sherloc (09022015). Collection method: clinical testing. Allele origin: germline.
Comment: This sequence change creates a premature translational stop signal (p.Pro393Leufs*18) in the CHEK2 gene. It is expected to result in an absent or disrupted protein product. Loss-of-function variants in CHEK2 are known to be pathogenic (PMID: 21876083, 24713400). This variant is not present in population databases (gnomAD no frequency). This variant has not been reported in the literature in individuals affected with CHEK2-related conditions. For these reasons, this variant has been classified as Pathogenic.

Literature cited by the submitters: PubMed 21876083; PubMed 24713400.